The following is an entry in ClinVar:

NM_000260.4(MYO7A):c.4134_4135dup (p.Glu1379fs)

Gene: MYO7A (myosin VIIA; plus strand). Cytogenetic location: 11q13.5.
Variant type: Duplication.
Coding change: c.4134_4135dup on transcript NM_000260.4 (MANE Select); coding-DNA positions 4134 to 4135, 2 bases duplicated (GG; older notation c.4134_4135dupGG).
Protein change: p.Glu1379fs; shifts the reading frame from glutamic acid 1379.
Molecular consequence: frameshift variant.
Genome position (GRCh38, 1-based): chr11:77,192,260-77,192,261, GG duplicated; duplicating any 2 consecutive bases within chr11:77,192,258-77,192,261 gives the same sequence; the c. name uses the placement nearest the transcript's 3' end. VCF-style (leftmost placement, unchanged base first): chr11-77192257-T-TGG. GRCh37 (hg19) VCF-style: chr11-76903302-T-TGG.
Other names: c.4134_4135dup, p.Glu1379fs (NM_001127180.2); c.4101_4102dup, p.Glu1368fs (NM_001369365.1); short protein forms E1368fs, E1379fs.
Identifiers: ClinVar variation 3601478 (VCV003601478.1).
Genomic context (GRCh38, chr11:77,192,257, plus strand): 5'-CTCCGAGGACAACGTGGCCACCAACCTCATCTACCAGCAGGTGGTGCGAGGAGTCAAGTT[T>TGG]GGGGAGTACAGGTGTGAGAAGGTGAGTGGGAGGGAATCTTCCGCCAGGCTGGCTTGGCTC-3'

ClinVar aggregate classification (germline): Pathogenic (1 of 4 stars; one submission).

Conditions:
Autosomal recessive nonsyndromic hearing loss 2. Also called: NEUROSENSORY NONSYNDROMIC RECESSIVE DEAFNESS 2; DEAFNESS, AUTOSOMAL RECESSIVE 2. Identifiers: Orphanet 90636, MedGen C1838701, MONDO:0010807, OMIM 600060.

Submission:

Institute of Rare Diseases, West China Hospital, Sichuan University
Classification: Pathogenic for Autosomal recessive nonsyndromic hearing loss 2. Last evaluated: 2025-01-09. Review status: criteria provided, single submitter. Criteria: ClinGen HL ACMG Specifications v1. Collection method: research. Allele origin: germline. Affected: yes.
Comment: PVS1;PM3;PM2_Supporting